The following is an entry in ClinVar:

ClinVar aggregate classification (germline): Uncertain significance. Review status: criteria provided, multiple submitters, no conflicts (2 of 4 stars). 4 submissions from 4 submitters: Uncertain significance (3). 1 of the submissions does not count toward it. Last evaluated 2025-10-24.

Conditions:
Hereditary cancer-predisposing syndrome. Also called: Neoplastic Syndromes, Hereditary; Tumor predisposition; Hereditary Cancer Syndrome; Hereditary neoplastic syndrome. Identifiers: Orphanet 140162, MedGen C0027672, MeSH D009386, MONDO:0015356.
Fanconi anemia (FA). Also called: Fanconi's anemia. Identifiers: Orphanet 84, MedGen C0015625, MeSH D005199, MONDO:0019391.
Fanconi anemia complementation group C (FANCC). Also called: Fanconi anemia, group C; FANCC-Related Fanconi Anemia; FANCONI PANCYTOPENIA, TYPE 3; FACC. Identifiers: Orphanet 84, MedGen C3468041, MONDO:0009213, OMIM 227645.

Allele frequency attached by ClinVar (database versions not stated): TOPMed below 0.00001; gnomAD 0.00001.
gnomAD v4.1: 1 of 1,614,002 alleles (0.000062%); highest among the groups gnomAD compares: Non-Finnish European, 0.000085%; no homozygotes.

Submissions (4):

Quest Diagnostics Nichols Institute San Juan Capistrano
Classification: Uncertain significance. Last evaluated: 2025-10-24. Review status: criteria provided, single submitter. Criteria: Quest Diagnostics criteria. Collection method: clinical testing. Allele origin: unknown.
Comment: The FANCC c.1366A>G (p.Met456Val) variant has been reported in the published literature in individuals with a personal and/or family history of breast cancer (PMID: 23028338 (2012), 33471991 (2021), see also LOVD). The frequency of this variant in the general population (Genome Aggregation Database) is uninformative in the assessment of its pathogenicity. Analysis of this variant using bioinformatics tools for the prediction of the effect of amino acid changes on protein structure and function yielded predictions that this variant is benign. Based on the available information, we are unable to determine the clinical significance of this variant.

Ambry Genetics
Classification: Uncertain significance for Hereditary cancer-predisposing syndrome. Last evaluated: 2025-05-31. Review status: criteria provided, single submitter. Criteria: Ambry Variant Classification Scheme 2023. Collection method: clinical testing. Allele origin: germline.
Comment: The p.M456V variant (also known as c.1366A>G), located in coding exon 13 of the FANCC gene, results from an A to G substitution at nucleotide position 1366. The methionine at codon 456 is replaced by valine, an amino acid with highly similar properties. This variant was identified in 1 of 1441 individuals from high risk breast cancer families and in 0 of 464 healthy controls (Thompson ER et al. PLoS Genet. 2012 Sep;8:e1002894).This amino acid position is poorly conserved in available vertebrate species. In addition, this alteration is predicted to be tolerated by in silico analysis. Since supporting evidence is limited at this time, the clinical significance of this alteration remains unclear.

Labcorp Genetics (formerly Invitae), Labcorp
Classification: Uncertain significance for Fanconi anemia. Last evaluated: 2023-12-30. Review status: criteria provided, single submitter. Criteria: Invitae Variant Classification Sherloc (09022015). Collection method: clinical testing. Allele origin: germline.
Comment: This sequence change replaces methionine, which is neutral and non-polar, with valine, which is neutral and non-polar, at codon 456 of the FANCC protein (p.Met456Val). This variant is not present in population databases (gnomAD no frequency). This missense change has been observed in individual(s) with breast cancer (PMID: 23028338). ClinVar contains an entry for this variant (Variation ID: 456157). Advanced modeling of protein sequence and biophysical properties (such as structural, functional, and spatial information, amino acid conservation, physicochemical variation, residue mobility, and thermodynamic stability) performed at Invitae indicates that this missense variant is not expected to disrupt FANCC protein function with a negative predictive value of 80%. In summary, the available evidence is currently insufficient to determine the role of this variant in disease. Therefore, it has been classified as a Variant of Uncertain Significance.

Natera, Inc.
Classification: Uncertain significance for Fanconi anemia, group C. Last evaluated: 2020-09-16. Review status: no assertion criteria provided. Collection method: clinical testing. Allele origin: germline. Not counted in ClinVar's aggregate classification.

Literature cited by the submitters: PubMed 23028338 (cited by 3 submitters); PubMed 33471991 (cited by Quest Diagnostics Nichols Institute San Juan Capistrano).

NM_000136.3(FANCC):c.1366A>G (p.Met456Val)

Genes: FANCC (FA complementation group C; minus strand), AOPEP (aminopeptidase O (putative); plus strand). Cytogenetic location: 9q22.32.
Variant type: single nucleotide variant.
Coding change: c.1366A>G on transcript NM_000136.3 (MANE Select); coding-DNA position 1366, A replaced by G.
Protein change: p.Met456Val; replaces methionine 456 with valine.
Molecular consequence: missense variant.
Genome position (GRCh38, 1-based): chr9:95,107,233, T>C on the plus strand (A>G on the coding strand, the complement: FANCC is on the minus strand). VCF-style: chr9-95107233-T-C. GRCh37 (hg19) VCF-style: chr9-97869515-T-C.
Other names: c.1366A>G, p.Met456Val (NM_001243743.2); short protein forms M456V.
Identifiers: ClinVar variation 456157 (VCV000456157.17), dbSNP rs1554828443, ClinGen allele CA374106227.
Genomic context (GRCh38, chr9:95,107,233, plus strand): 5'-CTGTGCCCTGTCCTGCTACCGTCTGCAGGTCCTGGGCTGAGAGGCTGCTGCTTCTGGACA[T>C]TGCCAGGAGGTGGCCCAGCACGGCCTTCACCTGGACCTGGGCAATAGTATTTCACAGGGG-3'
Protein context (NP_000127.2, residues 446-466): VKAVLGHLLA[Met456Val]SRSSSLSAQD